The following is an entry in ClinVar:

NM_000414.4(HSD17B4):c.186AAG[1] (p.Arg65del)

Gene: HSD17B4 (hydroxysteroid 17-beta dehydrogenase 4; plus strand). Cytogenetic location: 5q23.1.
Variant type: Microsatellite.
Coding change: c.186AAG[1] on transcript NM_000414.4 (MANE Select); one copy of the 3-base unit AAG starting at c.186; the reference has two copies in a row; one copy, 3 bases deleted.
Protein change: p.Arg65del; deletes arginine 65.
Molecular consequence: inframe deletion. On other transcripts: 5 prime UTR variant (6), non-coding transcript variant (2).
Genome position (GRCh38, 1-based): chr5:119,473,984-119,473,986, AAG deleted; deleting any 3 consecutive bases within chr5:119,473,981-119,473,986 gives the same sequence; the position shown is the placement nearest the transcript's 3' end. VCF-style (leftmost placement, unchanged base first): chr5-119473980-TAAG-T. GRCh37 (hg19) VCF-style: chr5-118809675-TAAG-T.
Other names: c.261AAG[1], p.Arg90del (NM_001199291.3); c.132AAG[1], p.Arg47del (NM_001199292.2); c.114AAG[1], p.Arg41del (NM_001292027.2); c.-226AAG[1] (NM_001292028.2, NM_001374501.1); c.186AAG[1], p.Arg65del (NM_001374497.1, NM_001374498.1); c.-95AAG[1] (NM_001374499.1); c.-353AAG[1] (NM_001374500.1); c.-231AAG[1] (NM_001374502.1, NM_001374503.1); short protein forms R41del, R47del, R65del, R90del.
Identifiers: ClinVar variation 1327233 (VCV001327233.4), dbSNP rs770940142, ClinGen allele CA3381708.
Genomic context (GRCh38, chr5:119,473,980, plus strand): 5'-GAGGGGACTTCAAAGGAGTTGGTAAAGGCTCCTTAGCTGCTGATAAGGTTGTTGAAGAAA[TAAG>T]AAGGAGAGGTGGAAAAGCAGTGGCCAACTATGGTATGGTATTTGAGAGAACTATACTATT-3'

ClinVar aggregate classification (germline): Uncertain significance (1 of 4 stars; one submission).

Submission:

GeneDx
Classification: Uncertain significance. Last evaluated: 2024-04-11. Review status: criteria provided, single submitter. Criteria: GeneDx Variant Classification Process June 2021. Collection method: clinical testing. Allele origin: germline. Affected: yes.
Comment: In-frame deletion of 1 amino acid in a non-repeat region; Not observed at significant frequency in large population cohorts (gnomAD); In silico analysis supports a deleterious effect on protein structure/function; Has not been previously published as pathogenic or benign to our knowledge